The following is an entry in ClinVar:

ClinVar aggregate classification (germline): Likely benign (1 of 4 stars; one submission).

gnomAD v4.1: 103 of 1,612,160 alleles (0.0064%); highest among the groups gnomAD compares: Non-Finnish European, 0.008%; no homozygotes.

Submission:

CeGaT Center for Human Genetics Tuebingen
Classification: Likely benign. Last evaluated: 2025-01-01. Review status: criteria provided, single submitter. Criteria: CeGaT Center For Human Genetics Tuebingen Variant Classification Criteria Version 2. Collection method: clinical testing. Allele origin: germline. Affected: yes. Observed: 1 variant allele.
Comment: INTS1: BP4, BP7

NM_001080453.3(INTS1):c.5109T>C (p.His1703=)

Gene: INTS1 (integrator complex subunit 1; minus strand). Cytogenetic location: 7p22.3.
Variant type: single nucleotide variant.
Coding change: c.5109T>C on transcript NM_001080453.3 (MANE Select); coding-DNA position 5109, T replaced by C.
Protein change: p.His1703=; no amino-acid change (histidine 1703 retained).
Molecular consequence: synonymous variant.
Genome position (GRCh38, 1-based): chr7:1,476,612, A>G on the plus strand (T>C on the coding strand, the complement: INTS1 is on the minus strand). VCF-style: chr7-1476612-A-G. GRCh37 (hg19) VCF-style: chr7-1516248-A-G.
Identifiers: ClinVar variation 3771417 (VCV003771417.13).